The following is an entry in ClinVar:

ClinVar aggregate classification (germline): Uncertain significance (1 of 4 stars; one submission).

Submission:

Labcorp Genetics (formerly Invitae), Labcorp
Classification: Uncertain significance. Last evaluated: 2025-12-03. Review status: criteria provided, single submitter. Criteria: Invitae Variant Classification Sherloc (09022015). Collection method: clinical testing. Allele origin: germline.
Comment: This sequence change replaces valine, which is neutral and non-polar, with methionine, which is neutral and non-polar, at codon 503 of the ALPK1 protein (p.Val503Met). This variant is not present in population databases (gnomAD no frequency). This variant has not been reported in the literature in individuals affected with ALPK1-related conditions. Invitae Evidence Modeling of protein sequence and biophysical properties (such as structural, functional, and spatial information, amino acid conservation, physicochemical variation, residue mobility, and thermodynamic stability) indicates that this missense variant is not expected to disrupt ALPK1 protein function with a negative predictive value of 80%. In summary, the available evidence is currently insufficient to determine the role of this variant in disease. Therefore, it has been classified as a Variant of Uncertain Significance.

NM_025144.4(ALPK1):c.1507G>A (p.Val503Met)

Gene: ALPK1 (alpha kinase 1; plus strand). Cytogenetic location: 4q25.
Variant type: single nucleotide variant.
Coding change: c.1507G>A on transcript NM_025144.4 (MANE Select); coding-DNA position 1507, G replaced by A.
Protein change: p.Val503Met; replaces valine 503 with methionine.
Molecular consequence: missense variant.
Genome position (GRCh38, 1-based): chr4:112,431,054, G>A. VCF-style: chr4-112431054-G-A. GRCh37 (hg19) VCF-style: chr4-113352210-G-A.
Other names: c.1507G>A, p.Val503Met (NM_001102406.2); c.1273G>A, p.Val425Met (NM_001253884.2); short protein forms V503M, V425M.
Identifiers: ClinVar variation 4704476 (VCV004704476.1).